The following is an entry in ClinVar:

ClinVar aggregate classification (germline): Uncertain significance. Review status: criteria provided, multiple submitters, no conflicts (2 of 4 stars). 2 submissions from 2 submitters: Uncertain significance (2). Last evaluated 2025-11-25.

Conditions:
IGF1R-related disorder. Also called: IGF1R-related condition.

Allele frequency attached by ClinVar (database versions not stated): ExAC 0.00002; gnomAD exomes 0.00002; gnomAD 0.00007.
gnomAD v4.1: 44 of 1,614,060 alleles (0.0027%); highest among the groups gnomAD compares: African/African-American, 0.025%; no homozygotes.

Submissions (2):

PreventionGenetics, part of Exact Sciences
Classification: Uncertain significance for IGF1R-related condition. Last evaluated: 2025-11-25. Review status: criteria provided, single submitter. Criteria: ACMG Guidelines, 2015. Collection method: clinical testing. Allele origin: germline.
Comment: The IGF1R c.3907G>A variant is predicted to result in the amino acid substitution p.Val1303Ile. To our knowledge, this variant has not been reported in the literature. This variant is reported in 0.020% of alleles in individuals of African descent in gnomAD. At this time, the clinical significance of this variant is uncertain due to the absence of conclusive functional and genetic evidence.

Labcorp Genetics (formerly Invitae), Labcorp
Classification: Uncertain significance. Last evaluated: 2025-03-25. Review status: criteria provided, single submitter. Criteria: Invitae Variant Classification Sherloc (09022015). Collection method: clinical testing. Allele origin: germline.
Comment: This sequence change replaces valine, which is neutral and non-polar, with isoleucine, which is neutral and non-polar, at codon 1303 of the IGF1R protein (p.Val1303Ile). This variant is present in population databases (rs45475702, gnomAD 0.02%). This variant has not been reported in the literature in individuals affected with IGF1R-related conditions. ClinVar contains an entry for this variant (Variation ID: 2175063). Invitae Evidence Modeling of protein sequence and biophysical properties (such as structural, functional, and spatial information, amino acid conservation, physicochemical variation, residue mobility, and thermodynamic stability) indicates that this missense variant is not expected to disrupt IGF1R protein function with a negative predictive value of 80%. In summary, the available evidence is currently insufficient to determine the role of this variant in disease. Therefore, it has been classified as a Variant of Uncertain Significance.

NM_000875.5(IGF1R):c.3907G>A (p.Val1303Ile)

Gene: IGF1R (insulin like growth factor 1 receptor; plus strand). Cytogenetic location: 15q26.3.
Variant type: single nucleotide variant.
Coding change: c.3907G>A on transcript NM_000875.5 (MANE Select); coding-DNA position 3907, G replaced by A.
Protein change: p.Val1303Ile; replaces valine 1303 with isoleucine.
Molecular consequence: missense variant.
Genome position (GRCh38, 1-based): chr15:98,957,245, G>A. VCF-style: chr15-98957245-G-A. GRCh37 (hg19) VCF-style: chr15-99500474-G-A.
Other names: c.3904G>A, p.Val1302Ile (NM_001291858.2); c.3907G>A (NM_000875.4); short protein forms V1302I, V1303I.
Identifiers: ClinVar variation 2175063 (VCV002175063.5), dbSNP rs45475702, ClinGen allele CA7752824.